The following is an entry in ClinVar:

ClinVar aggregate classification (germline): Uncertain significance (1 of 4 stars; one submission).

Conditions:
Leigh syndrome (NULS). Also called: Leigh's necrotizing encephalopathy; Leigh's disease; Leigh's syndrome; LEIGH SYNDROME, NUCLEAR; Leigh Syndrome (mtDNA deletion); Leigh Disease. Identifiers: Orphanet 506, MedGen C2931891, MONDO:0009723, OMIM 256000.

Submission:

Wong Mito Lab, Molecular and Human Genetics, Baylor College of Medicine
Classification: Uncertain significance for Leigh syndrome. Last evaluated: 2019-10-17. Review status: criteria provided, single submitter. Criteria: Modified ACMG Guidelines (Unpublished). Collection method: clinical testing. Allele origin: germline.
Comment: The NC_012920.1:m.15686A>G (YP_003024038.1:p.Ser314Gly) variant in MTCYB gene is interpretated to be a Uncertain Significance variant based on the modified ACMG guidelines (unpublished). This variant meets the following evidence codes: PM9, PP4, PP6, PP7

NC_012920.1(MT-CYB):m.15686A>G

Gene: MT-CYB (mitochondrially encoded cytochrome b; plus strand).
Variant type: single nucleotide variant.
Genome position: chrM-15686-A-G.
Identifiers: ClinVar variation 693932 (VCV000693932.1), dbSNP rs1603225422, ClinGen allele CA913174557.
Genomic context (GRCh38, chrMT:15,686, plus strand): 5'-CTATTACTATCCATCCTCATCCTAGCAATAATCCCCATCCTCCATATATCCAAACAACAA[A>G]GCATAATATTTCGCCCACTAAGCCAATCACTTTATTGACTCCTAGCCGCAGACCTCCTCA-3'